The following is an entry in ClinVar:

NM_000440.3(PDE6A):c.1166C>T (p.Pro389Leu)

Gene: PDE6A (phosphodiesterase 6A; minus strand). Cytogenetic location: 5q32.
Variant type: single nucleotide variant.
Coding change: c.1166C>T on transcript NM_000440.3 (MANE Select); coding-DNA position 1166, C replaced by T.
Protein change: p.Pro389Leu; replaces proline 389 with leucine.
Molecular consequence: missense variant.
Genome position (GRCh38, 1-based): chr5:149,899,472, G>A on the plus strand (C>T on the coding strand, the complement: PDE6A is on the minus strand). VCF-style: chr5-149899472-G-A. GRCh37 (hg19) VCF-style: chr5-149279035-G-A.
Other names: c.923C>T, p.Pro308Leu (NM_001410788.1); short protein forms P308L, P389L.
Identifiers: ClinVar variation 2136339 (VCV002136339.6), dbSNP rs1406110455, ClinGen allele CA361696965.
Genomic context (GRCh38, chr5:149,899,472, plus strand): 5'-CCATCTTTACGATTGTAAAATGTGGCCACTCCAACAATTTCTTCCTTCTTGTTCACAATC[G>A]GCATTGAAAGCACATTTTTAATCATCCATCCAGACTCATCCAGAGGTTCTTTCTACAAGA-3'
Protein context (NP_000431.2, residues 379-399): GWMIKNVLSM[Pro389Leu]IVNKKEEIVG

ClinVar aggregate classification (germline): Pathogenic/Likely pathogenic. Review status: criteria provided, multiple submitters, no conflicts (2 of 4 stars). 3 submissions from 3 submitters: Pathogenic (1); Likely pathogenic (2). Last evaluated 2024-03-18.

Conditions:
Retinitis pigmentosa 43 (RP43). Identifiers: Orphanet 791, MedGen C3151139, MONDO:0013437, OMIM 613810.
PDE6A-related disorder. Also called: PDE6A-related condition.

gnomAD v4.1: 10 of 1,613,888 alleles (0.00062%); highest among the groups gnomAD compares: African/African-American, 0.0013%; no homozygotes.

Submissions (3):

Fulgent Genetics
Classification: Likely pathogenic for Retinitis pigmentosa 43. Last evaluated: 2024-03-18. Review status: criteria provided, single submitter. Criteria: ACMG Guidelines, 2015. Collection method: clinical testing. Allele origin: germline.

Labcorp Genetics (formerly Invitae), Labcorp
Classification: Likely pathogenic. Last evaluated: 2023-11-19. Review status: criteria provided, single submitter. Criteria: Invitae Variant Classification Sherloc (09022015). Collection method: clinical testing. Allele origin: germline.
Comment: This sequence change replaces proline, which is neutral and non-polar, with leucine, which is neutral and non-polar, at codon 389 of the PDE6A protein (p.Pro389Leu). This variant is present in population databases (no rsID available, gnomAD 0.007%). This missense change has been observed in individuals with retinitis pigmentosa (PMID: 21217109, 33057649, 33576794). ClinVar contains an entry for this variant (Variation ID: 2136339). Advanced modeling of protein sequence and biophysical properties (such as structural, functional, and spatial information, amino acid conservation, physicochemical variation, residue mobility, and thermodynamic stability) performed at Invitae indicates that this missense variant is expected to disrupt PDE6A protein function with a positive predictive value of 80%. In summary, the currently available evidence indicates that the variant is pathogenic, but additional data are needed to prove that conclusively. Therefore, this variant has been classified as Likely Pathogenic.

Blueprint Genetics
Classification: Pathogenic for PDE6A-related disorders. Last evaluated: 2020-08-27. Review status: criteria provided, single submitter. Criteria: ACMG Guidelines, 2015. Collection method: clinical testing. Allele origin: germline. Affected: yes. Observed: 2 variant alleles.

Literature cited by the submitters: PubMed 21217109 (cited by Labcorp Genetics (formerly Invitae), Labcorp); PubMed 33057649 (cited by Labcorp Genetics (formerly Invitae), Labcorp); PubMed 33576794 (cited by Labcorp Genetics (formerly Invitae), Labcorp).